The following is an entry in ClinVar:

NM_004991.4(MECOM):c.3409G>A (p.Glu1137Lys)

Gene: MECOM (MDS1 and EVI1 complex locus; minus strand). Cytogenetic location: 3q26.2.
Variant type: single nucleotide variant.
Coding change: c.3409G>A on transcript NM_004991.4 (MANE Select); coding-DNA position 3409, G replaced by A.
Protein change: p.Glu1137Lys; replaces glutamic acid 1137 with lysine.
Molecular consequence: missense variant.
Genome position (GRCh38, 1-based): chr3:169,089,176, C>T on the plus strand (G>A on the coding strand, the complement: MECOM is on the minus strand). VCF-style: chr3-169089176-C-T. GRCh37 (hg19) VCF-style: chr3-168806964-C-T.
Other names: c.2821G>A, p.Glu941Lys (NM_001163999.2, NM_001366470.2); c.2818G>A, p.Glu940Lys (NM_001164000.2, NM_001366471.2, NM_001366472.2); c.2845G>A, p.Glu949Lys (NM_001205194.2, NM_001366469.2, NM_005241.4 and 1 more transcripts); c.3382G>A, p.Glu1128Lys (NM_001366466.2); c.2848G>A, p.Glu950Lys (NM_001366467.2, NM_001366468.2); c.2410G>A, p.Glu804Lys (NM_001366473.2); c.1846G>A, p.Glu616Lys (NM_001366474.2); c.3040G>A, p.Glu1014Lys (NM_001105077.4); short protein forms E1137K, E941K, E804K, E949K, E1014K, E940K, E950K, E1128K.
Identifiers: ClinVar variation 4842748 (VCV004842748.1).

ClinVar aggregate classification (germline): Uncertain significance (1 of 4 stars; one submission).

Conditions:
Inborn genetic diseases. Identifiers: MedGen C0950123, MeSH D030342.

Submission:

Ambry Genetics
Classification: Uncertain significance for Inborn genetic diseases. Last evaluated: 2025-12-21. Review status: criteria provided, single submitter. Criteria: Ambry Variant Classification Scheme 2023. Collection method: clinical testing. Allele origin: germline.
Comment: The p.E1137K variant (also known as c.3409G>A), located in coding exon 16 of the MECOM gene, results from a G to A substitution at nucleotide position 3409. The glutamic acid at codon 1137 is replaced by lysine, an amino acid with similar properties. This amino acid position is conserved. In addition, this alteration is predicted to be tolerated by in silico analysis. Based on the available evidence, the clinical significance of this variant remains unclear.